The following is an entry in ClinVar:

NM_016363.5(GP6):c.425A>T (p.Gln142Leu)

Gene: GP6 (glycoprotein VI platelet; minus strand). Cytogenetic location: 19q13.42.
Variant type: single nucleotide variant.
Coding change: c.425A>T on transcript NM_016363.5 (MANE Select); coding-DNA position 425, A replaced by T.
Protein change: p.Gln142Leu; replaces glutamine 142 with leucine.
Molecular consequence: missense variant.
Genome position (GRCh38, 1-based): chr19:55,027,763, T>A on the plus strand (A>T on the coding strand, the complement: GP6 is on the minus strand). VCF-style: chr19-55027763-T-A. GRCh37 (hg19) VCF-style: chr19-55539131-T-A.
Other names: c.425A>T, p.Gln142Leu (NM_001083899.2, NM_001256017.2); short protein forms Q142L.
Identifiers: ClinVar variation 4687776 (VCV004687776.1).

ClinVar aggregate classification (germline): Uncertain significance (1 of 4 stars; one submission).

gnomAD v4.1: 4 of 1,613,788 alleles (0.00025%); highest among the groups gnomAD compares: African/African-American, 0.0053%; no homozygotes.

Submission:

Women's Health and Genetics/Laboratory Corporation of America, LabCorp
Classification: Uncertain significance. Last evaluated: 2025-10-31. Review status: criteria provided, single submitter. Criteria: LabCorp Variant Classification Summary - May 2015. Collection method: clinical testing. Allele origin: germline.
Comment: Variant summary: GP6 c.425A>T (p.Gln142Leu) results in a non-conservative amino acid change in the encoded protein sequence. Algorithms developed to predict the effect of missense changes on protein structure and function are either unavailable or do not agree on the potential impact of this missense change. The variant allele was found at a frequency of 4e-06 in 249562 control chromosomes. The available data on variant occurrences in the general population are insufficient to allow any conclusion about variant significance. To our knowledge, no occurrence of c.425A>T in individuals affected with GP6-related conditions and no experimental evidence demonstrating its impact on protein function have been reported. No submitters have cited clinical-significance assessments for this variant to ClinVar. Based on the evidence outlined above, the variant was classified as uncertain significance.